The following is an entry in ClinVar:

ClinVar aggregate classification (germline): Uncertain significance (1 of 4 stars; one submission).

Submission:

GeneDx
Classification: Uncertain significance. Last evaluated: 2017-03-02. Review status: criteria provided, single submitter. Criteria: GeneDx Variant Classification (06012015). Collection method: clinical testing. Allele origin: germline. Affected: yes.
Comment: The T738I variant in the COL6A1 gene has not been reported previously as a pathogenic variant, nor as a benign variant, to our knowledge. The T738I variant is not observed in large population cohorts (Lek et al., 2016; 1000 Genomes Consortium et al., 2015; Exome Variant Server). The T738I variant is a non-conservative amino acid substitution, which is likely to impact secondary protein structure as these residues differ in polarity, charge, size and/or other properties. However, this substitution occurs at a position that is not conserved, and in silico analysis is inconsistent in its predictions as to whether or not the variant is damaging to the protein structure/function. Therefore, we interpret T738I as a variant of uncertain significance.

NM_001848.3(COL6A1):c.2213C>T (p.Thr738Ile)

Gene: COL6A1 (collagen type VI alpha 1 chain; plus strand). Cytogenetic location: 21q22.3.
Variant type: single nucleotide variant.
Coding change: c.2213C>T on transcript NM_001848.3 (MANE Select); coding-DNA position 2213, C replaced by T.
Protein change: p.Thr738Ile; replaces threonine 738 with isoleucine.
Molecular consequence: missense variant.
Genome position (GRCh38, 1-based): chr21:46,002,364, C>T. VCF-style: chr21-46002364-C-T. GRCh37 (hg19) VCF-style: chr21-47422278-C-T.
Other names: short protein forms T738I.
Identifiers: ClinVar variation 423977 (VCV000423977.2), dbSNP rs1064796728, ClinGen allele CA16621029.